The following is an entry in ClinVar:

ClinVar aggregate classification (germline): Uncertain significance. Review status: criteria provided, multiple submitters, no conflicts (2 of 4 stars). 2 submissions from 2 submitters: Uncertain significance (2). Last evaluated 2023-11-22.

Allele frequency attached by ClinVar (database versions not stated): 1000 Genomes Project 0.00020; 1000 Genomes Project 30x 0.00031.
gnomAD v4.1: 90 of 1,595,648 alleles (0.0056%); highest among the groups gnomAD compares: Admixed American, 0.061%; no homozygotes.

Submissions (2):

Ambry Genetics
Classification: Uncertain significance. Last evaluated: 2023-11-22. Review status: criteria provided, single submitter. Criteria: Ambry Variant Classification Scheme 2023. Collection method: clinical testing. Allele origin: germline.

Labcorp Genetics (formerly Invitae), Labcorp
Classification: Uncertain significance. Last evaluated: 2022-06-28. Review status: criteria provided, single submitter. Criteria: Invitae Variant Classification Sherloc (09022015). Collection method: clinical testing. Allele origin: germline.
Comment: This variant has not been reported in the literature in individuals affected with DGKZ-related conditions. The frequency data for this variant in the population databases is considered unreliable, as metrics indicate poor data quality at this position in the gnomAD database. This sequence change replaces arginine, which is basic and polar, with serine, which is neutral and polar, at codon 1013 of the DGKZ protein (p.Arg1013Ser). In summary, the available evidence is currently insufficient to determine the role of this variant in disease. Therefore, it has been classified as a Variant of Uncertain Significance. Algorithms developed to predict the effect of missense changes on protein structure and function are either unavailable or do not agree on the potential impact of this missense change (SIFT: "Tolerated"; PolyPhen-2: "Possibly Damaging"; Align-GVGD: "Class C0").

NM_001199267.2(DGKZ):c.2470C>A (p.Arg824Ser)

Gene: DGKZ (diacylglycerol kinase zeta; plus strand). Cytogenetic location: 11p11.2.
Variant type: single nucleotide variant.
Coding change: c.2470C>A on transcript NM_001199267.2 (MANE Select); coding-DNA position 2470, C replaced by A.
Protein change: p.Arg824Ser; replaces arginine 824 with serine.
Molecular consequence: missense variant.
Genome position (GRCh38, 1-based): chr11:46,379,045, C>A. VCF-style: chr11-46379045-C-A. GRCh37 (hg19) VCF-style: chr11-46400595-C-A.
Other names: c.3037C>A, p.Arg1013Ser (NM_001105540.2); c.2473C>A, p.Arg825Ser (NM_001199266.2, NM_003646.4); c.2404C>A, p.Arg802Ser (NM_001199268.2); c.2521C>A, p.Arg841Ser (NM_201532.3); c.2485C>A, p.Arg829Ser (NM_201533.3); c.3037C>A (NM_001105540.1); short protein forms R825S, R1013S, R829S, R802S, R824S, R841S.
Identifiers: ClinVar variation 1438849 (VCV001438849.7), dbSNP rs558512772, ClinGen allele CA5963287.